The following is an entry in ClinVar:

ClinVar aggregate classification (germline): Uncertain significance (1 of 4 stars; one submission).

gnomAD v4.1: 1 of 1,614,082 alleles (0.000062%); highest among the groups gnomAD compares: Non-Finnish European, 0.000085%; no homozygotes.

Submission:

GeneDx
Classification: Uncertain significance. Last evaluated: 2025-04-21. Review status: criteria provided, single submitter. Criteria: GeneDx Variant Classification Process June 2021. Collection method: clinical testing. Allele origin: germline. Affected: yes.
Comment: Not observed at significant frequency in large population cohorts (gnomAD); In silico analysis supports that this missense variant has a deleterious effect on protein structure/function; Has not been previously published as pathogenic or benign to our knowledge

NM_139318.5(KCNH5):c.1660G>A (p.Ala554Thr)

Gene: KCNH5 (potassium voltage-gated channel subfamily H member 5; minus strand). Cytogenetic location: 14q23.2.
Variant type: single nucleotide variant.
Coding change: c.1660G>A on transcript NM_139318.5 (MANE Select); coding-DNA position 1660, G replaced by A.
Protein change: p.Ala554Thr; replaces alanine 554 with threonine.
Molecular consequence: missense variant.
Genome position (GRCh38, 1-based): chr14:62,802,491, C>T on the plus strand (G>A on the coding strand, the complement: KCNH5 is on the minus strand). VCF-style: chr14-62802491-C-T. GRCh37 (hg19) VCF-style: chr14-63269209-C-T.
Other names: c.1660G>A, p.Ala554Thr (NM_172375.3); short protein forms A554T.
Identifiers: ClinVar variation 4527183 (VCV004527183.1).
Genomic context (GRCh38, chr14:62,802,491, plus strand): 5'-CGGGAGCACAGTGAATGGTTTGGAACTCTACCGCCAAGGCGCGCAGACACCCATCGCTGG[C>T]CAATCGAAAAGCAGGATGTTCATTAAAAACCTTCCGGTTTAGATGAACACAGATATCAGC-3'
Protein context (NP_647479.2, residues 544-564): VFNEHPAFRL[Ala554Thr]SDGCLRALAV